The following is an entry in ClinVar:

NM_003718.5(CDK13):c.1644G>A (p.Val548=)

Gene: CDK13 (cyclin dependent kinase 13; plus strand). Cytogenetic location: 7p14.1.
Variant type: single nucleotide variant.
Coding change: c.1644G>A on transcript NM_003718.5 (MANE Select); coding-DNA position 1644, G replaced by A.
Protein change: p.Val548=; no amino-acid change (valine 548 retained).
Molecular consequence: synonymous variant.
Genome position (GRCh38, 1-based): chr7:39,988,031, G>A. VCF-style: chr7-39988031-G-A. GRCh37 (hg19) VCF-style: chr7-40027630-G-A.
Other names: c.1644G>A, p.Val548= (NM_031267.4).
Identifiers: ClinVar variation 3025062 (VCV003025062.22), dbSNP rs751624342, ClinGen allele CA4228531.
Genomic context (GRCh38, chr7:39,988,031, plus strand): 5'-TGGTGGAACTTTAAAAAATGACAAAGCAAAAACAAAGCCACCTCTTCAGGTAACGAAGGT[G>A]GAAAATAATTTGATTGTAGATAAAGCCACCAAGAAAGCAGTCATAGTTGGAAAGGAGAGT-3'
Protein context (NP_003709.3, residues 538-558): KTKPPLQVTK[Val548=]ENNLIVDKAT

ClinVar aggregate classification (germline): Likely benign (1 of 4 stars; one submission).

Allele frequency attached by ClinVar (database versions not stated): gnomAD exomes below 0.00001; TOPMed below 0.00001; ExAC 0.00001.
gnomAD v4.1: 7 of 1,614,076 alleles (0.00043%); highest among the groups gnomAD compares: Middle Eastern, 0.016%; no homozygotes.

Submission:

CeGaT Center for Human Genetics Tuebingen
Classification: Likely benign. Last evaluated: 2023-12-01. Review status: criteria provided, single submitter. Criteria: CeGaT Center For Human Genetics Tuebingen Variant Classification Criteria Version 2. Collection method: clinical testing. Allele origin: germline. Affected: yes. Observed: 1 variant allele.
Comment: CDK13: BP4, BP7